The following is an entry in ClinVar:

NM_002519.3(NPAT):c.1039A>G (p.Ile347Val)

Gene: NPAT (nuclear protein, coactivator of histone transcription; minus strand). Cytogenetic location: 11q22.3.
Variant type: single nucleotide variant.
Coding change: c.1039A>G on transcript NM_002519.3 (MANE Select); coding-DNA position 1039, A replaced by G.
Protein change: p.Ile347Val; replaces isoleucine 347 with valine.
Molecular consequence: missense variant.
Genome position (GRCh38, 1-based): chr11:108,176,339, T>C on the plus strand (A>G on the coding strand, the complement: NPAT is on the minus strand). VCF-style: chr11-108176339-T-C. GRCh37 (hg19) VCF-style: chr11-108047066-T-C.
Other names: c.1039A>G, p.Ile347Val (NM_001321307.1); short protein forms I347V.
Identifiers: ClinVar variation 1773462 (VCV001773462.2), dbSNP rs2078005912, ClinGen allele CA382516959.

ClinVar aggregate classification (germline): Uncertain significance (1 of 4 stars; one submission).

Allele frequency attached by ClinVar (database versions not stated): gnomAD 0.00001; TOPMed 0.00001.
gnomAD v4.1: 1 of 1,553,914 alleles (0.000064%); highest among the groups gnomAD compares: Non-Finnish European, 0.000089%; no homozygotes.

Submission:

Ambry Genetics
Classification: Uncertain significance. Last evaluated: 2024-01-20. Review status: criteria provided, single submitter. Criteria: Ambry Variant Classification Scheme 2023. Collection method: clinical testing. Allele origin: germline.
Comment: The p.I347V variant (also known as c.1039A>G), located in coding exon 12 of the NPAT gene, results from an A to G substitution at nucleotide position 1039. The isoleucine at codon 347 is replaced by valine, an amino acid with highly similar properties. This amino acid position is conserved. In addition, this alteration is predicted to be tolerated by in silico analysis. Since supporting evidence is limited at this time, the clinical significance of this alteration remains unclear.